The following is an entry in ClinVar:

NM_001378454.1(ALMS1):c.9205C>T (p.His3069Tyr)

Gene: ALMS1 (ALMS1 centrosome and basal body associated protein; plus strand). Cytogenetic location: 2p13.1.
Variant type: single nucleotide variant.
Coding change: c.9205C>T on transcript NM_001378454.1 (MANE Select); coding-DNA position 9205, C replaced by T.
Protein change: p.His3069Tyr; replaces histidine 3069 with tyrosine.
Molecular consequence: missense variant.
Genome position (GRCh38, 1-based): chr2:73,491,164, C>T. VCF-style: chr2-73491164-C-T. GRCh37 (hg19) VCF-style: chr2-73718291-C-T.
Other names: c.9208C>T, p.His3070Tyr (NM_015120.4); short protein forms H3070Y, H3069Y.
Identifiers: ClinVar variation 2076314 (VCV002076314.5), dbSNP rs759880099, ClinGen allele CA1714620.

ClinVar aggregate classification (germline): Uncertain significance. Review status: criteria provided, multiple submitters, no conflicts (2 of 4 stars). 3 submissions from 3 submitters: Uncertain significance (3). Last evaluated 2026-05-24.

Conditions:
Alstrom syndrome (ALMS). Identifiers: Orphanet 64, MedGen C0268425, MONDO:0008763, OMIM 203800.
Cardiovascular phenotype. Identifiers: MedGen CN230736.

Allele frequency attached by ClinVar (database versions not stated): ExAC 0.00002; TOPMed 0.00006; gnomAD 0.00002.
gnomAD v4.1: 10 of 1,614,018 alleles (0.00062%); highest among the groups gnomAD compares: Admixed American, 0.0017%; no homozygotes.

Submissions (3):

Women's Health and Genetics/Laboratory Corporation of America, LabCorp
Classification: Uncertain significance. Last evaluated: 2026-05-24. Review status: criteria provided, single submitter. Criteria: LabCorp Variant Classification Summary - May 2015. Collection method: clinical testing. Allele origin: germline.

Labcorp Genetics (formerly Invitae), Labcorp
Classification: Uncertain significance for Alstrom syndrome. Last evaluated: 2024-04-07. Review status: criteria provided, single submitter. Criteria: Invitae Variant Classification Sherloc (09022015). Collection method: clinical testing. Allele origin: germline.
Comment: This sequence change replaces histidine, which is basic and polar, with tyrosine, which is neutral and polar, at codon 3070 of the ALMS1 protein (p.His3070Tyr). This variant is present in population databases (rs759880099, gnomAD 0.04%), including at least one homozygous and/or hemizygous individual. This variant has not been reported in the literature in individuals affected with ALMS1-related conditions. ClinVar contains an entry for this variant (Variation ID: 2076314). Experimental studies and prediction algorithms are not available or were not evaluated, and the functional significance of this variant is currently unknown. In summary, the available evidence is currently insufficient to determine the role of this variant in disease. Therefore, it has been classified as a Variant of Uncertain Significance.

Ambry Genetics
Classification: Uncertain significance for Cardiovascular phenotype. Last evaluated: 2022-12-13. Review status: criteria provided, single submitter. Criteria: Ambry Variant Classification Scheme 2023. Collection method: clinical testing. Allele origin: germline.
Comment: The p.H3070Y variant (also known as c.9208C>T), located in coding exon 10 of the ALMS1 gene, results from a C to T substitution at nucleotide position 9208. The histidine at codon 3070 is replaced by tyrosine, an amino acid with similar properties. This amino acid position is not well conserved in available vertebrate species. In addition, this alteration is predicted to be tolerated by in silico analysis. Since supporting evidence is limited at this time, the clinical significance of this alteration remains unclear.